The following is an entry in ClinVar:

ClinVar aggregate classification (germline): Likely benign. Review status: criteria provided, single submitter (1 of 4 stars). 2 submissions from 2 submitters: Likely benign (1). 1 of the submissions does not count toward it. Last evaluated 2025-12-21.

Conditions:
Idiopathic generalized epilepsy. Also called: EIG; Generalised epilepsy. Identifiers: MedGen C0270850, MONDO:0005579, OMIM 600669.
RBFOX1-related disorder. Also called: RBFOX1-related condition.

Allele frequency attached by ClinVar (database versions not stated): ExAC 0.00055; gnomAD 0.00070; TOPMed 0.00073; ESP Exome Variant Server 0.00092.
gnomAD v4.1: 1,473 of 1,614,040 alleles (0.091%); highest among the groups gnomAD compares: Non-Finnish European, 0.11%; 2 homozygotes.

Submissions (2):

Labcorp Genetics (formerly Invitae), Labcorp
Classification: Likely benign for Idiopathic generalized epilepsy. Last evaluated: 2025-12-21. Review status: criteria provided, single submitter. Criteria: Invitae Variant Classification Sherloc (09022015). Collection method: clinical testing. Allele origin: germline.

PreventionGenetics, part of Exact Sciences
Classification: Likely benign for RBFOX1-related condition. Last evaluated: 2023-11-14. Review status: no assertion criteria provided. Collection method: clinical testing. Allele origin: germline. Not counted in ClinVar's aggregate classification.
Comment: This variant is classified as likely benign based on ACMG/AMP sequence variant interpretation guidelines (Richards et al. 2015 PMID: 25741868, with internal and published modifications).

NM_018723.4(RBFOX1):c.142C>T (p.Pro48Ser)

Gene: RBFOX1 (RNA binding fox-1 homolog 1; plus strand). Cytogenetic location: 16p13.3.
Variant type: single nucleotide variant.
Coding change: c.142C>T on transcript NM_018723.4 (MANE Select); coding-DNA position 142, C replaced by T.
Protein change: p.Pro48Ser; replaces proline 48 with serine.
Molecular consequence: missense variant.
Genome position (GRCh38, 1-based): chr16:7,518,261, C>T. VCF-style: chr16-7518261-C-T. GRCh37 (hg19) VCF-style: chr16-7568263-C-T.
Other names: c.142C>T, p.Pro48Ser (NM_001142333.2, NM_001142334.2, NM_001364800.2); c.271C>T, p.Pro91Ser (NM_001308117.1); c.202C>T, p.Pro68Ser (NM_145891.3, NM_145892.3, NM_145893.3); short protein forms P68S, P48S, P91S.
Identifiers: ClinVar variation 410097 (VCV000410097.14), dbSNP rs151214012, ClinGen allele CA7891332.
Genomic context (GRCh38, chr16:7,518,261, plus strand): 5'-GCCCAGTTTGCTCCCCCGCAGAACGGTATCCCCGCGGAATACACGGCCCCTCATCCCCAC[C>T]CCGCGCCAGAGTACACAGGCCAGACCACGGTTCCCGAGCACACATTAAACCTGTACCCTC-3'
Protein context (NP_061193.2, residues 38-58): PAEYTAPHPH[Pro48Ser]APEYTGQTTV